The following is an entry in ClinVar:

NM_002661.5(PLCG2):c.1557+6G>C

Gene: PLCG2 (phospholipase C gamma 2; plus strand). Cytogenetic location: 16q23.3.
Variant type: single nucleotide variant.
Coding change: c.1557+6G>C on transcript NM_002661.5 (MANE Select); 6 bases into the intron after coding-DNA position 1557, G replaced by C.
Molecular consequence: intron variant.
Genome position (GRCh38, 1-based): chr16:81,907,780, G>C. VCF-style: chr16-81907780-G-C. GRCh37 (hg19) VCF-style: chr16-81941385-G-C.
Identifiers: ClinVar variation 472890 (VCV000472890.21), dbSNP rs139565830, ClinGen allele CA8193820.

ClinVar aggregate classification (germline): Benign/Likely benign. Review status: criteria provided, multiple submitters, no conflicts (2 of 4 stars). 5 submissions from 5 submitters: Benign (2); Likely benign (3). Last evaluated 2026-01-26.

Conditions:
Familial cold autoinflammatory syndrome 3 (FCAS3). Also called: FAMILIAL ATYPICAL COLD URTICARIA; ANTIBODY DEFICIENCY AND IMMUNE DYSREGULATION, PLCG2-ASSOCIATED. Identifiers: Orphanet 300359, MedGen C3280914, MONDO:0013766, OMIM 614468.
Autoinflammation-PLCG2-associated antibody deficiency-immune dysregulation. Also called: Autoinflammation, antibody deficiency, and immune dysregulation, plcg2-associated; Autoinflammation, antibody deficiency, and immune dysregulation syndrome; AUTOINFLAMMATION, ANTIBODY DEFICIENCY, AND IMMUNE DYSREGULATION. Identifiers: Orphanet 324530, MedGen C3553961, MONDO:0013944, OMIM 614878.

Allele frequency attached by ClinVar (database versions not stated): ExAC 0.00064; ESP Exome Variant Server 0.00214; 1000 Genomes Project 30x 0.00219; 1000 Genomes Project 0.00220; gnomAD 0.00223 and 0.00235; TOPMed 0.00240.
gnomAD v4.1: 634 of 1,609,480 alleles (0.039%); highest among the groups gnomAD compares: African/African-American, 0.71%; no homozygotes.

Submissions (5):

Labcorp Genetics (formerly Invitae), Labcorp
Classification: Benign for Familial cold autoinflammatory syndrome 3. Last evaluated: 2026-01-26. Review status: criteria provided, single submitter. Criteria: Invitae Variant Classification Sherloc (09022015). Collection method: clinical testing. Allele origin: germline.

Women's Health and Genetics/Laboratory Corporation of America, LabCorp
Classification: Benign. Last evaluated: 2026-01-22. Review status: criteria provided, single submitter. Criteria: LabCorp Variant Classification Summary - May 2015. Collection method: clinical testing. Allele origin: germline.

CeGaT Center for Human Genetics Tuebingen
Classification: Likely benign. Last evaluated: 2025-10-01. Review status: criteria provided, single submitter. Criteria: CeGaT Center For Human Genetics Tuebingen Variant Classification Criteria Version 2. Collection method: clinical testing. Allele origin: germline. Affected: yes. Observed: 2 variant alleles.
Comment: PLCG2: BP4

Blueprint Genetics
Classification: Likely benign. Last evaluated: 2024-10-28. Review status: criteria provided, single submitter. Criteria: ACMG Guidelines, 2015. Collection method: clinical testing. Allele origin: germline.

Fulgent Genetics
Classification: Likely benign for Familial cold autoinflammatory syndrome 3; Autoinflammation-PLCG2-associated antibody deficiency-immune dysregulation. Last evaluated: 2022-05-06. Review status: criteria provided, single submitter. Criteria: ACMG Guidelines, 2015. Collection method: clinical testing. Allele origin: unknown.